The following is an entry in ClinVar:

ClinVar aggregate classification (germline): Likely pathogenic (1 of 4 stars; one submission).

Submission:

Labcorp Genetics (formerly Invitae), Labcorp
Classification: Likely pathogenic. Last evaluated: 2024-01-23. Review status: criteria provided, single submitter. Criteria: Invitae Variant Classification Sherloc (09022015). Collection method: clinical testing. Allele origin: germline.
Comment: This sequence change affects an acceptor splice site in intron 3 of the CABP4 gene. It is expected to disrupt RNA splicing. Variants that disrupt the donor or acceptor splice site typically lead to a loss of protein function (PMID: 16199547), and loss-of-function variants in CABP4 are known to be pathogenic (PMID: 25307992). This variant is not present in population databases (gnomAD no frequency). This variant has not been reported in the literature in individuals affected with CABP4-related conditions. Algorithms developed to predict the effect of sequence changes on RNA splicing suggest that this variant may disrupt the consensus splice site. In summary, the currently available evidence indicates that the variant is pathogenic, but additional data are needed to prove that conclusively. Therefore, this variant has been classified as Likely Pathogenic.

Literature cited by the submitters: PubMed 16199547; PubMed 25307992.

NM_145200.5(CABP4):c.542-17_542-2delinsGCCCACCATT

Gene: CABP4 (calcium binding protein 4; plus strand). Cytogenetic location: 11q13.2.
Variant type: Indel.
Coding change: c.542-17_542-2delinsGCCCACCATT on transcript NM_145200.5 (MANE Select); 17 bases into the intron before coding-DNA position 542 through the canonical splice acceptor site of the intron before coding-DNA position 542, TCTTCCTGGGTCTGCA replaced by GCCCACCATT.
Molecular consequence: splice acceptor variant.
Genome position (GRCh38, 1-based): chr11:67,457,556-67,457,571, TCTTCCTGGGTCTGCA replaced by GCCCACCATT. VCF-style: chr11-67457556-TCTTCCTGGGTCTGCA-GCCCACCATT. GRCh37 (hg19) VCF-style: chr11-67225027-TCTTCCTGGGTCTGCA-GCCCACCATT.
Other names: c.227-17_227-2delinsGCCCACCATT (NM_001379183.1, NM_001300896.3, NM_001300895.3).
Identifiers: ClinVar variation 967055 (VCV000967055.5), dbSNP rs1864858416, ClinGen allele CA1139662052.